The following is an entry in ClinVar:

NM_000388.4(CASR):c.70C>T (p.Gln24Ter)

Gene: CASR (calcium sensing receptor; plus strand). Cytogenetic location: 3q21.1.
Variant type: single nucleotide variant.
Coding change: c.70C>T on transcript NM_000388.4 (MANE Select); coding-DNA position 70, C replaced by T.
Protein change: p.Gln24Ter; replaces glutamine 24 with a stop codon.
Molecular consequence: nonsense.
Genome position (GRCh38, 1-based): chr3:122,254,259, C>T. VCF-style: chr3-122254259-C-T. GRCh37 (hg19) VCF-style: chr3-121973106-C-T.
Other names: c.70C>T, p.Gln24Ter (NM_001178065.2); short protein forms Q24*.
Identifiers: ClinVar variation 2171040 (VCV002171040.4), dbSNP rs979596307, ClinGen allele CA354362068.

ClinVar aggregate classification (germline): Pathogenic (1 of 4 stars; one submission).

Conditions:
Autosomal dominant hypocalcemia 1 (HYPOC1). Also called: HYPOCALCEMIA, FAMILIAL. Identifiers: MedGen C3715128, MONDO:0011013, OMIM 601198.
Familial hypocalciuric hypercalcemia (FHH). Also called: Familial benign hypercalcemia. Identifiers: Orphanet 405, MedGen C1809471, MONDO:0018458.

Submission:

Labcorp Genetics (formerly Invitae), Labcorp
Classification: Pathogenic for Familial hypocalciuric hypercalcemia; Autosomal dominant hypocalcemia 1. Last evaluated: 2021-12-12. Review status: criteria provided, single submitter. Criteria: Invitae Variant Classification Sherloc (09022015). Collection method: clinical testing. Allele origin: germline.
Comment: For these reasons, this variant has been classified as Pathogenic. This variant has not been reported in the literature in individuals affected with CASR-related conditions. This variant is not present in population databases (gnomAD no frequency). This sequence change creates a premature translational stop signal (p.Gln24*) in the CASR gene. It is expected to result in an absent or disrupted protein product. Loss-of-function variants in CASR are known to be pathogenic (PMID: 22422767).

Literature cited by the submitters: PubMed 22422767.